The following is an entry in ClinVar:

NC_012920.1(MT-TC):m.5824G>A

Gene: MT-TC (mitochondrially encoded tRNA cysteine; minus strand).
Variant type: single nucleotide variant.
Genome position: chrM-5824-G-A.
Identifiers: ClinVar variation 690008 (VCV000690008.1), dbSNP rs879140945, ClinGen allele CA337097257.

ClinVar aggregate classification (germline): Benign (1 of 4 stars; one submission).

Conditions:
MELAS syndrome (MELAS). Also called: Juvenile myopathy, encephalopathy, lactic acidosis, stroke. Identifiers: Orphanet 550, MedGen C0162671, MONDO:0010789, OMIM 540000.

Submission:

Wong Mito Lab, Molecular and Human Genetics, Baylor College of Medicine
Classification: Benign for MELAS syndrome. Last evaluated: 2019-07-12. Review status: criteria provided, single submitter. Criteria: Modified ACMG Guidelines (Unpublished). Collection method: clinical testing. Allele origin: germline.
Comment: The NC_012920.1:m.5824G>A variant in MT-TC gene is interpreted to be a Benign variant based on the modified ACMG guidelines (unpublished). This variant meets the following evidence codes reported in the guidelines: BS1, BS2, BP4

Literature cited by the submitters: PubMed 31965079.